The following is an entry in ClinVar:

NM_013266.4(CTNNA3):c.377G>A (p.Arg126His)

Gene: CTNNA3 (catenin alpha 3; minus strand). Cytogenetic location: 10q21.3.
Variant type: single nucleotide variant.
Coding change: c.377G>A on transcript NM_013266.4 (MANE Select); coding-DNA position 377, G replaced by A.
Protein change: p.Arg126His; replaces arginine 126 with histidine.
Molecular consequence: missense variant.
Genome position (GRCh38, 1-based): chr10:67,539,585, C>T on the plus strand (G>A on the coding strand, the complement: CTNNA3 is on the minus strand). VCF-style: chr10-67539585-C-T. GRCh37 (hg19) VCF-style: chr10-69299343-C-T.
Other names: c.377G>A, p.Arg126His (NM_001127384.3); c.413G>A, p.Arg138His (NM_001291133.2); short protein forms R126H, R138H.
Identifiers: ClinVar variation 180309 (VCV000180309.20), dbSNP rs730880071, ClinGen allele CA346268.
Genomic context (GRCh38, chr10:67,539,585, plus strand): 5'-CACATGACATCAATCATGTCCGCAAGGATAAGGAGTCTCGTCACCGCAGCCAGCAAGGCA[C>T]GGGCAGCTTGAACCACAGCCTCCCTTTTTGGGAGAAAACAGGGGTCATCTGTAAATCTCT-3'
Protein context (NP_037398.2, residues 116-136): PKREAVVQAA[Arg126His]ALLAAVTRLL

ClinVar aggregate classification (germline): Uncertain significance. Review status: criteria provided, multiple submitters, no conflicts (2 of 4 stars). 2 submissions from 2 submitters: Uncertain significance (2). Last evaluated 2026-01-13.

Conditions:
Arrhythmogenic right ventricular dysplasia 13. Also called: Arrhythmogenic right ventricular dysplasia, familial, 13; ARRHYTHMOGENIC RIGHT VENTRICULAR CARDIOMYOPATHY 13. Identifiers: MedGen C3810138, MONDO:0000908, OMIM 615616.

Allele frequency attached by ClinVar (database versions not stated): gnomAD 0.00005; gnomAD exomes 0.00002 and 0.00004; TOPMed 0.00003; ExAC 0.00004.

Submissions (2):

Labcorp Genetics (formerly Invitae), Labcorp
Classification: Uncertain significance for Arrhythmogenic right ventricular dysplasia 13. Last evaluated: 2026-01-13. Review status: criteria provided, single submitter. Criteria: Invitae Variant Classification Sherloc (09022015). Collection method: clinical testing. Allele origin: germline.
Comment: This sequence change replaces arginine, which is basic and polar, with histidine, which is basic and polar, at codon 126 of the CTNNA3 protein (p.Arg126His). This variant is present in population databases (rs730880071, gnomAD 0.02%). This missense change has been observed in individual(s) with dilated cardiomyopathy (PMID: 28416588). ClinVar contains an entry for this variant (Variation ID: 180309). Invitae Evidence Modeling of protein sequence and biophysical properties (such as structural, functional, and spatial information, amino acid conservation, physicochemical variation, residue mobility, and thermodynamic stability) indicates that this missense variant is expected to disrupt CTNNA3 protein function with a positive predictive value of 80%. In summary, the available evidence is currently insufficient to determine the role of this variant in disease. Therefore, it has been classified as a Variant of Uncertain Significance.

Blueprint Genetics
Classification: Uncertain significance. Last evaluated: 2021-10-12. Review status: criteria provided, single submitter. Criteria: ACMG Guidelines, 2015. Collection method: clinical testing. Allele origin: germline.

Literature cited by the submitters: PubMed 28416588 (cited by Labcorp Genetics (formerly Invitae), Labcorp).